The following is an entry in ClinVar:

ClinVar aggregate classification (germline): Uncertain significance (1 of 4 stars; one submission).

Conditions:
Infantile-onset ascending hereditary spastic paralysis (IAHSP). Also called: Infantile-Onset Ascending Hereditary Spastic Paralysis (IAHSP); Autosomal Recessive Juvenile Amyotrophic Lateral Sclerosis. Identifiers: Orphanet 293168, MedGen C2931441, MONDO:0011797, OMIM 607225. Disease mechanism: loss of function.

Allele frequency attached by ClinVar (database versions not stated): gnomAD exomes below 0.00001; gnomAD 0.00001.
gnomAD v4.1: 8 of 1,610,220 alleles (0.0005%); highest among the groups gnomAD compares: Non-Finnish European, 0.00051%; no homozygotes.

Submission:

Labcorp Genetics (formerly Invitae), Labcorp
Classification: Uncertain significance for Infantile-onset ascending hereditary spastic paralysis. Last evaluated: 2022-04-20. Review status: criteria provided, single submitter. Criteria: Invitae Variant Classification Sherloc (09022015). Collection method: clinical testing. Allele origin: germline.
Comment: This sequence change replaces leucine, which is neutral and non-polar, with histidine, which is basic and polar, at codon 1231 of the ALS2 protein (p.Leu1231His). This variant is not present in population databases (gnomAD no frequency). This variant has not been reported in the literature in individuals affected with ALS2-related conditions. Algorithms developed to predict the effect of missense changes on protein structure and function are either unavailable or do not agree on the potential impact of this missense change (SIFT: "Deleterious"; PolyPhen-2: "Probably Damaging"; Align-GVGD: "Class C0"). In summary, the available evidence is currently insufficient to determine the role of this variant in disease. Therefore, it has been classified as a Variant of Uncertain Significance.

NM_020919.4(ALS2):c.3692T>A (p.Leu1231His)

Gene: ALS2 (alsin Rho guanine nucleotide exchange factor ALS2; minus strand). Cytogenetic location: 2q33.1.
Variant type: single nucleotide variant.
Coding change: c.3692T>A on transcript NM_020919.4 (MANE Select); coding-DNA position 3692, T replaced by A.
Protein change: p.Leu1231His; replaces leucine 1231 with histidine.
Molecular consequence: missense variant.
Genome position (GRCh38, 1-based): chr2:201,723,053, A>T on the plus strand (T>A on the coding strand, the complement: ALS2 is on the minus strand). VCF-style: chr2-201723053-A-T. GRCh37 (hg19) VCF-style: chr2-202587776-A-T.
Other names: c.3692T>A, p.Leu1231His (NM_001410975.1); short protein forms L1231H.
Identifiers: ClinVar variation 2159099 (VCV002159099.4), dbSNP rs549693831, ClinGen allele CA63937063.
Genomic context (GRCh38, chr2:201,723,053, plus strand): 5'-TTAGTAAAAGAATTTATTAGGGAGAAAAAAAAAGAAAGCTAGTTTCCAACCTTTCCACTA[A>T]GAGTCCAGTCATCTGAAAATTCTCCTTCATAGATAGTATCATCTTCGGAAAGCAAAACCC-3'
Protein context (NP_065970.2, residues 1221-1241): YEGEFSDDWT[Leu1231His]SGKGTLTMPN